The following is an entry in ClinVar:

NM_001292063.2(OTOG):c.4275-1G>C

Gene: OTOG (otogelin; plus strand). Cytogenetic location: 11p15.1.
Variant type: single nucleotide variant.
Coding change: c.4275-1G>C on transcript NM_001292063.2 (MANE Select); the canonical splice acceptor site of the intron before coding-DNA position 4275, G replaced by C.
Molecular consequence: splice acceptor variant.
Genome position (GRCh38, 1-based): chr11:17,609,129, G>C. VCF-style: chr11-17609129-G-C. GRCh37 (hg19) VCF-style: chr11-17630676-G-C.
Other names: c.4311-1G>C (NM_001277269.2).
Identifiers: ClinVar variation 1347733 (VCV001347733.6), dbSNP rs1478750141, ClinGen allele CA379794642.

ClinVar aggregate classification (germline): Likely pathogenic (1 of 4 stars; one submission).

Allele frequency attached by ClinVar (database versions not stated): gnomAD exomes 0.00001; TOPMed 0.00001.
gnomAD v4.1: 4 of 1,550,390 alleles (0.00026%); highest among the groups gnomAD compares: Admixed American, 0.0059%; no homozygotes.

Submission:

Labcorp Genetics (formerly Invitae), Labcorp
Classification: Likely pathogenic. Last evaluated: 2024-07-03. Review status: criteria provided, single submitter. Criteria: Invitae Variant Classification Sherloc (09022015). Collection method: clinical testing. Allele origin: germline.
Comment: This sequence change affects an acceptor splice site in intron 33 of the OTOG gene. It is expected to disrupt RNA splicing. Variants that disrupt the donor or acceptor splice site typically lead to a loss of protein function (PMID: 16199547), and loss-of-function variants in OTOG are known to be pathogenic (PMID: 23122587). This variant is present in population databases (no rsID available, gnomAD 0.008%). This variant has not been reported in the literature in individuals affected with OTOG-related conditions. ClinVar contains an entry for this variant (Variation ID: 1347733). Algorithms developed to predict the effect of sequence changes on RNA splicing suggest that this variant may disrupt the consensus splice site. In summary, the currently available evidence indicates that the variant is pathogenic, but additional data are needed to prove that conclusively. Therefore, this variant has been classified as Likely Pathogenic.

Literature cited by the submitters: PubMed 16199547; PubMed 23122587.